The following is an entry in ClinVar:

NM_182931.3(KMT2E):c.3269C>T (p.Ser1090Leu)

Gene: KMT2E (lysine methyltransferase 2E (inactive); plus strand). Cytogenetic location: 7q22.3.
Variant type: single nucleotide variant.
Coding change: c.3269C>T on transcript NM_182931.3 (MANE Select); coding-DNA position 3269, C replaced by T.
Protein change: p.Ser1090Leu; replaces serine 1090 with leucine.
Molecular consequence: missense variant.
Genome position (GRCh38, 1-based): chr7:105,107,726, C>T. VCF-style: chr7-105107726-C-T. GRCh37 (hg19) VCF-style: chr7-104748173-C-T.
Other names: c.3269C>T, p.Ser1090Leu (NM_001410908.1, NM_018682.4); short protein forms S1090L.
Identifiers: ClinVar variation 2915432 (VCV002915432.3), dbSNP rs1334271569, ClinGen allele CA368788999.

ClinVar aggregate classification (germline): Uncertain significance (1 of 4 stars; one submission).

Allele frequency attached by ClinVar (database versions not stated): gnomAD exomes below 0.00001; gnomAD 0.00001.
gnomAD v4.1: 10 of 1,613,974 alleles (0.00062%); highest among the groups gnomAD compares: Non-Finnish European, 0.00059%; no homozygotes.

Submission:

Labcorp Genetics (formerly Invitae), Labcorp
Classification: Uncertain significance. Last evaluated: 2022-11-14. Review status: criteria provided, single submitter. Criteria: Invitae Variant Classification Sherloc (09022015). Collection method: clinical testing. Allele origin: germline.
Comment: In summary, the available evidence is currently insufficient to determine the role of this variant in disease. Therefore, it has been classified as a Variant of Uncertain Significance. Advanced modeling of protein sequence and biophysical properties (such as structural, functional, and spatial information, amino acid conservation, physicochemical variation, residue mobility, and thermodynamic stability) performed at Invitae indicates that this missense variant is not expected to disrupt KMT2E protein function. This missense change has been observed in individual(s) with clinical features of KMT2E-related conditions (PMID: 30564305). This variant is present in population databases (no rsID available, gnomAD 0.0009%). This sequence change replaces serine, which is neutral and polar, with leucine, which is neutral and non-polar, at codon 1090 of the KMT2E protein (p.Ser1090Leu).

Literature cited by the submitters: PubMed 30564305.